The following is an entry in ClinVar:

ClinVar aggregate classification (germline): Uncertain significance (1 of 4 stars; one submission).

Conditions:
Generalized epilepsy with febrile seizures plus, type 9 (GEFSP9). Also called: GEFS+, TYPE 9. Identifiers: Orphanet 36387, MedGen C4015395, MONDO:0014517, OMIM 616172.

Allele frequency attached by ClinVar (database versions not stated): gnomAD exomes below 0.00001.
gnomAD v4.1: 1 of 1,613,834 alleles (0.000062%); highest among the groups gnomAD compares: South Asian, 0.0011%; no homozygotes.

Submission:

Labcorp Genetics (formerly Invitae), Labcorp
Classification: Uncertain significance for Generalized epilepsy with febrile seizures plus, type 9. Last evaluated: 2024-10-22. Review status: criteria provided, single submitter. Criteria: Invitae Variant Classification Sherloc (09022015). Collection method: clinical testing. Allele origin: germline.
Comment: This sequence change replaces lysine, which is basic and polar, with arginine, which is basic and polar, at codon 181 of the STX1B protein (p.Lys181Arg). This variant is not present in population databases (gnomAD no frequency). This variant has not been reported in the literature in individuals affected with STX1B-related conditions. ClinVar contains an entry for this variant (Variation ID: 1423118). Invitae Evidence Modeling of protein sequence and biophysical properties (such as structural, functional, and spatial information, amino acid conservation, physicochemical variation, residue mobility, and thermodynamic stability) indicates that this missense variant is not expected to disrupt STX1B protein function with a negative predictive value of 80%. Algorithms developed to predict the effect of sequence changes on RNA splicing suggest that this variant may create or strengthen a splice site. In summary, the available evidence is currently insufficient to determine the role of this variant in disease. Therefore, it has been classified as a Variant of Uncertain Significance.

NM_052874.5(STX1B):c.542A>G (p.Lys181Arg)

Gene: STX1B (syntaxin 1B; minus strand). Cytogenetic location: 16p11.2.
Variant type: single nucleotide variant.
Coding change: c.542A>G on transcript NM_052874.5 (MANE Select); coding-DNA position 542, A replaced by G.
Protein change: p.Lys181Arg; replaces lysine 181 with arginine.
Molecular consequence: missense variant.
Genome position (GRCh38, 1-based): chr16:30,993,480, T>C on the plus strand (A>G on the coding strand, the complement: STX1B is on the minus strand). VCF-style: chr16-30993480-T-C. GRCh37 (hg19) VCF-style: chr16-31004801-T-C.
Other names: short protein forms K181R.
Identifiers: ClinVar variation 1423118 (VCV001423118.8), dbSNP rs2143662002, ClinGen allele CA395647587.